The following is an entry in ClinVar:

NM_001134673.4(NFIA):c.434C>T (p.Thr145Ile)

Gene: NFIA (nuclear factor I A; plus strand). Cytogenetic location: 1p31.3.
Variant type: single nucleotide variant.
Coding change: c.434C>T on transcript NM_001134673.4 (MANE Select); coding-DNA position 434, C replaced by T.
Protein change: p.Thr145Ile; replaces threonine 145 with isoleucine.
Molecular consequence: missense variant.
Genome position (GRCh38, 1-based): chr1:61,088,555, C>T. VCF-style: chr1-61088555-C-T. GRCh37 (hg19) VCF-style: chr1-61554227-C-T.
Other names: c.410C>T, p.Thr137Ile (NM_001145511.2); c.569C>T, p.Thr190Ile (NM_001145512.2); c.434C>T, p.Thr145Ile (NM_005595.5); short protein forms T137I, T145I, T190I.
Identifiers: ClinVar variation 1879088 (VCV001879088.29), dbSNP rs2524201017, ClinGen allele CA340587042.

ClinVar aggregate classification (germline): Uncertain significance (1 of 4 stars; one submission).

Allele frequency attached by ClinVar (database versions not stated): gnomAD exomes below 0.00001.
gnomAD v4.1: 1 of 1,614,180 alleles (0.000062%); highest among the groups gnomAD compares: Non-Finnish European, 0.000085%; no homozygotes.

Submission:

CeGaT Center for Human Genetics Tuebingen
Classification: Uncertain significance. Last evaluated: 2022-11-01. Review status: criteria provided, single submitter. Criteria: CeGaT Center For Human Genetics Tuebingen Variant Classification Criteria Version 2. Collection method: clinical testing. Allele origin: germline. Affected: yes. Observed: 1 variant allele.
Comment: NFIA: PM2, PP2, PP3